The following is an entry in ClinVar:

NM_002582.4(PARN):c.1409_1417del (p.Asn470_Gln472del)

Gene: PARN (poly(A)-specific ribonuclease; minus strand). Cytogenetic location: 16p13.12.
Variant type: Deletion.
Coding change: c.1409_1417del on transcript NM_002582.4 (MANE Select); coding-DNA positions 1409 to 1417, 9 bases deleted (ACATTCAGA; older notation c.1409_1417delACATTCAGA).
Protein change: p.Asn470_Gln472del.
Molecular consequence: inframe deletion.
Genome position (GRCh38, 1-based): chr16:14,552,084-14,552,092, TCTGAATGT deleted on the plus strand (ACATTCAGA on the coding strand, the reverse complement: PARN is on the minus strand); deleting any 9 consecutive bases within chr16:14,552,084-14,552,093 gives the same sequence; the c. name uses the placement nearest the transcript's 3' end. VCF-style (leftmost placement, unchanged base first): chr16-14552083-ATCTGAATGT-A. GRCh37 (hg19) VCF-style: chr16-14645940-ATCTGAATGT-A.
Other names: c.1226_1234del, p.Asn409_Gln411del (NM_001134477.3); c.1271_1279del, p.Asn424_Gln426del (NM_001242992.2).
Identifiers: ClinVar variation 3234892 (VCV003234892.1), dbSNP rs2507523810, ClinGen allele CA2825002386.

ClinVar aggregate classification (germline): Uncertain significance (1 of 4 stars; one submission).

Conditions:
Dyskeratosis congenita, autosomal recessive 6 (DKCB6). Identifiers: MedGen C4225356, MONDO:0014600, OMIM 616353.

Submission:

Neuberg Centre For Genomic Medicine, NCGM
Classification: Uncertain significance for Dyskeratosis congenita, autosomal recessive 6. Review status: criteria provided, single submitter. Criteria: ACMG Guidelines, 2015. Collection method: clinical testing. Allele origin: germline. Inheritance: Autosomal recessive inheritance. Affected: yes.
Comment: The inframe deletion c.1409_1417delp.Asn470_Gln472del variant in PARN gene has not been reported previously as a pathogenic variant nor a benign variant, to our knowledge. The p.Asn470_Gln472del variant is novel not in any individuals in gnomAD Exomes and 1000 Genomes. This variant has not been reported to the ClinVar database. This p.Asn470_Gln472del causes deletion of amino acid Asparagine at position 470 to Glutamine at position 472. For these reasons, this variant has been classified as a Variant of Uncertain Significance VUS.